The following is an entry in ClinVar:

ClinVar aggregate classification (germline): Conflicting classifications of pathogenicity. Review status: criteria provided, conflicting classifications (1 of 4 stars). 2 submissions from 2 submitters: Likely pathogenic (1); Uncertain significance (1). Last evaluated 2023-08-18.

Conditions:
Dystonia 5 (DRD). Also called: Dystonia, DOPA-responsive, with or without hyperphenylalaninemia; DYT-GCH1; DYSTONIA, PROGRESSIVE, WITH DIURNAL VARIATION; DYSTONIA-PARKINSONISM WITH DIURNAL FLUCTUATION; GTP Cyclohydrolase 1-Deficient Dopa-Responsive Dystonia. Identifiers: Orphanet 98808, MedGen C1851920, MONDO:0007495, OMIM 128230.
GTP cyclohydrolase I deficiency. Identifiers: MedGen C0268467, MONDO:0100184.

Submissions (2):

Labcorp Genetics (formerly Invitae), Labcorp
Classification: Uncertain significance for GTP cyclohydrolase I deficiency; Dystonia 5. Last evaluated: 2023-08-18. Review status: criteria provided, single submitter. Criteria: Invitae Variant Classification Sherloc (09022015). Collection method: clinical testing. Allele origin: germline.
Comment: In summary, the available evidence is currently insufficient to determine the role of this variant in disease. Therefore, it has been classified as a Variant of Uncertain Significance. Advanced modeling of protein sequence and biophysical properties (such as structural, functional, and spatial information, amino acid conservation, physicochemical variation, residue mobility, and thermodynamic stability) performed at Invitae indicates that this missense variant is expected to disrupt GCH1 protein function. ClinVar contains an entry for this variant (Variation ID: 1685326). This variant has not been reported in the literature in individuals affected with GCH1-related conditions. This variant is not present in population databases (gnomAD no frequency). This sequence change replaces methionine, which is neutral and non-polar, with threonine, which is neutral and polar, at codon 102 of the GCH1 protein (p.Met102Thr).

Mendelics
Classification: Likely pathogenic for Dystonia 5. Last evaluated: 2022-05-04. Review status: criteria provided, single submitter. Criteria: Mendelics Assertion Criteria 2019. Collection method: clinical testing. Allele origin: germline.

NM_000161.3(GCH1):c.305T>C (p.Met102Thr)

Gene: GCH1 (GTP cyclohydrolase 1; minus strand). Cytogenetic location: 14q22.2.
Variant type: single nucleotide variant.
Coding change: c.305T>C on transcript NM_000161.3 (MANE Select); coding-DNA position 305, T replaced by C.
Protein change: p.Met102Thr; replaces methionine 102 with threonine.
Molecular consequence: missense variant.
Genome position (GRCh38, 1-based): chr14:54,902,359, A>G on the plus strand (T>C on the coding strand, the complement: GCH1 is on the minus strand). VCF-style: chr14-54902359-A-G. GRCh37 (hg19) VCF-style: chr14-55369077-A-G.
Other names: c.305T>C, p.Met102Thr (NM_001024024.2, NM_001024070.2, NM_001024071.2); short protein forms M102T.
Identifiers: ClinVar variation 1685326 (VCV001685326.4), dbSNP rs2140127042, ClinGen allele CA389793583.
Genomic context (GRCh38, chr14:54,902,359, plus strand): 5'-AGCAGCCCGCGGGCGCACTGACCTGAGATGGTCTCCTGGTAGCCCTTGGTGAAGAACTGC[A>G]TGGCCGAGGCCGCCCTCCAGGGCGTCTTGAGCAGCCCTTGCCGCTGGGGGTTCTCGCCCA-3'
Protein context (NP_000152.1, residues 92-112): LKTPWRAASA[Met102Thr]QFFTKGYQET